The following is an entry in ClinVar:

NM_001252024.2(TRPM1):c.836G>C (p.Gly279Ala)

Gene: TRPM1 (transient receptor potential cation channel subfamily M member 1; minus strand). Cytogenetic location: 15q13.3.
Variant type: single nucleotide variant.
Coding change: c.836G>C on transcript NM_001252024.2 (MANE Select); coding-DNA position 836, G replaced by C.
Protein change: p.Gly279Ala; replaces glycine 279 with alanine.
Molecular consequence: missense variant.
Genome position (GRCh38, 1-based): chr15:31,063,247, C>G on the plus strand (G>C on the coding strand, the complement: TRPM1 is on the minus strand). VCF-style: chr15-31063247-C-G. GRCh37 (hg19) VCF-style: chr15-31355450-C-G.
Other names: c.887G>C, p.Gly296Ala (NM_001252020.2); c.770G>C, p.Gly257Ala (NM_002420.6); c.770G>C (NM_002420.4); short protein forms G257A, G279A, G296A.
Identifiers: ClinVar variation 1000147 (VCV001000147.8), dbSNP rs371005282, ClinGen allele CA391529340.

ClinVar aggregate classification (germline): Uncertain significance. Review status: criteria provided, multiple submitters, no conflicts (2 of 4 stars). 2 submissions from 2 submitters: Uncertain significance (2). Last evaluated 2025-08-18.

Conditions:
Inborn genetic diseases. Identifiers: MedGen C0950123, MeSH D030342.

Allele frequency attached by ClinVar (database versions not stated): gnomAD 0.00001; TOPMed 0.00002.
gnomAD v4.1: 8 of 1,613,922 alleles (0.0005%); highest among the groups gnomAD compares: Admixed American, 0.01%; no homozygotes.

Submissions (2):

Labcorp Genetics (formerly Invitae), Labcorp
Classification: Uncertain significance. Last evaluated: 2025-08-18. Review status: criteria provided, single submitter. Criteria: Invitae Variant Classification Sherloc (09022015). Collection method: clinical testing. Allele origin: germline.
Comment: This sequence change replaces glycine, which is neutral and non-polar, with alanine, which is neutral and non-polar, at codon 257 of the TRPM1 protein (p.Gly257Ala). This variant is present in population databases (no rsID available, gnomAD 0.009%). This variant has not been reported in the literature in individuals affected with TRPM1-related conditions. ClinVar contains an entry for this variant (Variation ID: 1000147). Invitae Evidence Modeling of protein sequence and biophysical properties (such as structural, functional, and spatial information, amino acid conservation, physicochemical variation, residue mobility, and thermodynamic stability) has been performed for this missense variant. However, the output from this modeling did not meet the statistical confidence thresholds required to predict the impact of this variant on TRPM1 protein function. In summary, the available evidence is currently insufficient to determine the role of this variant in disease. Therefore, it has been classified as a Variant of Uncertain Significance.

Ambry Genetics
Classification: Uncertain significance for Inborn genetic diseases. Last evaluated: 2024-12-23. Review status: criteria provided, single submitter. Criteria: Ambry Variant Classification Scheme 2023. Collection method: clinical testing. Allele origin: germline.